The following is an entry in ClinVar:

NM_005445.4(SMC3):c.1731T>G (p.Asn577Lys)

Gene: SMC3 (structural maintenance of chromosomes 3; plus strand). Cytogenetic location: 10q25.2.
Variant type: single nucleotide variant.
Coding change: c.1731T>G on transcript NM_005445.4 (MANE Select); coding-DNA position 1731, T replaced by G.
Protein change: p.Asn577Lys; replaces asparagine 577 with lysine.
Molecular consequence: missense variant.
Genome position (GRCh38, 1-based): chr10:110,591,051, T>G. VCF-style: chr10-110591051-T-G. GRCh37 (hg19) VCF-style: chr10-112350809-T-G.
Other names: short protein forms N577K.
Identifiers: ClinVar variation 4531365 (VCV004531365.1).

ClinVar aggregate classification (germline): Likely pathogenic (1 of 4 stars; one submission).

Conditions:
Cornelia de Lange syndrome 3 (CDLS3). Also called: SMC3-Related Cornelia de Lange Syndrome; CORNELIA DE LANGE SYNDROME 3 WITH OR WITHOUT MIDLINE BRAIN DEFECTS. Identifiers: Orphanet 199, MedGen C1853099, MONDO:0012555, OMIM 610759.

Submission:

Victorian Clinical Genetics Services, Murdoch Childrens Research Institute
Classification: Likely pathogenic for Cornelia de Lange syndrome 3. Last evaluated: 2024-12-23. Review status: criteria provided, single submitter. Criteria: ACMG Guidelines, 2015. Collection method: clinical testing. Allele origin: germline. Affected: yes.
Comment: This variant is classified as Likely pathogenic. Evidence in support of pathogenic classification: Variant is absent from gnomAD (v2, v3 and v4); Additional information: Variant is predicted to result in a missense amino acid change from asparagine to lysine; This variant is heterozygous; This gene is associated with autosomal dominant disease; This variant has no previous evidence of pathogenicity; No published segregation evidence has been identified for this variant; No published functional evidence has been identified for this variant; No comparable missense variants have previous evidence for pathogenicity; Variant is located in the annotated SMC hinge domain (DECIPHER); Missense variant with inconclusive in silico prediction and high conservation; Loss of function is a known mechanism of disease in this gene (PMID: 38297832). Dominant negative has also been suggested as a mechanism of disease (PMID: 25655089); Variants in this gene are known to have variable expressivity (OMIM).

Literature cited by the submitters: PubMed 38297832; PubMed 25655089.